The following is an entry in ClinVar:

NC_000015.10:g.(?_48444531)_(48444670_?)del

Gene: FBN1 (fibrillin 1; minus strand). Cytogenetic location: 15q21.1.
Variant type: Deletion.
Identifiers: ClinVar variation 639375 (VCV000639375.2).

ClinVar aggregate classification (germline): Pathogenic (1 of 4 stars; one submission).

Conditions:
Familial thoracic aortic aneurysm and aortic dissection (TAAD). Also called: Thoracic aortic aneurysms and dissections. Identifiers: Orphanet 91387, MedGen C4707243, MONDO:0019625.
Marfan syndrome (MFS). Also called: FBN1-Related Marfan Syndrome; Marfan syndrome type 1; Marfan's syndrome; Marfan syndrome, classic; MARFAN SYNDROME, TYPE I. Identifiers: Orphanet 284963, Orphanet 558, MedGen C0024796, MONDO:0007947, OMIM 154700.

Submission:

Labcorp Genetics (formerly Invitae), Labcorp
Classification: Pathogenic for Marfan syndrome; Familial thoracic aortic aneurysm and aortic dissection. Last evaluated: 2019-06-27. Review status: criteria provided, single submitter. Criteria: Invitae Variant Classification Sherloc (09022015). Collection method: clinical testing. Allele origin: germline.
Comment: This variant is an in-frame deletion of the genomic region encompassing exon 49 of the FBN1 gene. It preserves the integrity of the reading frame. This variant has been observed in several individuals affected with Marfan syndrome (PMID: 25907466, Invitae). This variant affects cysteine residues in the EGF-like, TGFBP or hybrid motif domains of FBN1. Cysteine residues are believed to be involved in intramolecular disulfide bridges and have been shown to be important for FBN1 protein structure (PMID: 16905551, 19349279). In addition, missense substitutions affecting cysteine residues within these domains are significantly overrepresented among patients with Marfan syndrome (PMID: 16571647, 17701892). For these reasons, this variant has been classified as Pathogenic.

Literature cited by the submitters: PubMed 19349279; PubMed 17701892; PubMed 16571647; PubMed 25907466; PubMed 16905551.